The following is an entry in ClinVar:

NM_002485.5(NBN):c.231dup (p.Val78fs)

Gene: NBN (nibrin; minus strand). Cytogenetic location: 8q21.3.
Variant type: Duplication.
Coding change: c.231dup on transcript NM_002485.5 (MANE Select); coding-DNA position 231, one base duplicated (T; older notation c.231dupT).
Protein change: p.Val78fs; shifts the reading frame from valine 78.
Molecular consequence: frameshift variant. On other transcripts: 5 prime UTR variant (1).
Genome position (GRCh38, 1-based): chr8:89,981,464, A duplicated on the plus strand (T on the coding strand, the reverse complement: NBN is on the minus strand); the first of 3 consecutive A bases (chr8:89,981,464-89,981,466); duplicating any one gives the same sequence. VCF-style (leftmost placement, unchanged base first): chr8-89981463-C-CA. GRCh37 (hg19) VCF-style: chr8-90993691-C-CA.
Other names: c.-16dup (NM_001024688.3); c.231dupT (NM_002485.4); short protein forms V78fs.
Identifiers: ClinVar variation 645512 (VCV000645512.7), dbSNP rs1586108827, ClinGen allele CA915945803.

ClinVar aggregate classification (germline): Pathogenic/Likely pathogenic. Review status: criteria provided, multiple submitters, no conflicts (2 of 4 stars). 2 submissions from 2 submitters: Pathogenic (1); Likely pathogenic (1). Last evaluated 2021-12-07.

Conditions:
Microcephaly, normal intelligence and immunodeficiency (NBS). Also called: Microcephaly with normal intelligence immunodeficiency and lymphoreticular malignancies; Nonsyndromal microcephaly autosomal recessive with normal intelligence; Seemanova syndrome 2; BERLIN BREAKAGE SYNDROME; Immunodeficiency, microcephaly with normal intelligence; Nijmegen breakage syndrome. Identifiers: Orphanet 647, MedGen C0398791, MONDO:0009623, OMIM 251260.
NBN-related disorder. Also called: NBN-related condition.

Submissions (2):

Labcorp Genetics (formerly Invitae), Labcorp
Classification: Pathogenic for Microcephaly, normal intelligence and immunodeficiency. Last evaluated: 2021-12-07. Review status: criteria provided, single submitter. Criteria: Invitae Variant Classification Sherloc (09022015). Collection method: clinical testing. Allele origin: germline.
Comment: For these reasons, this variant has been classified as Pathogenic. ClinVar contains an entry for this variant (Variation ID: 645512). This sequence change creates a premature translational stop signal (p.Val78Cysfs*2) in the NBN gene. It is expected to result in an absent or disrupted protein product. Loss-of-function variants in NBN are known to be pathogenic (PMID: 9590180, 16415040). This variant is not present in population databases (gnomAD no frequency). This variant has not been reported in the literature in individuals affected with NBN-related conditions.

Blueprint Genetics
Classification: Likely pathogenic for NBN-related disorders. Last evaluated: 2020-09-07. Review status: criteria provided, single submitter. Criteria: ACMG Guidelines, 2015. Collection method: clinical testing. Allele origin: germline. Affected: yes. Observed: 1 variant allele.

Literature cited by the submitters: PubMed 9590180 (cited by Labcorp Genetics (formerly Invitae), Labcorp); PubMed 16415040 (cited by Labcorp Genetics (formerly Invitae), Labcorp).